The following is an entry in ClinVar:

ClinVar aggregate classification (germline): Uncertain significance (1 of 4 stars; one submission).

Allele frequency attached by ClinVar (database versions not stated): gnomAD 0.00001; TOPMed 0.00002.
gnomAD v4.1: 3 of 1,613,854 alleles (0.00019%); highest among the groups gnomAD compares: African/African-American, 0.004%; no homozygotes.

Submission:

Labcorp Genetics (formerly Invitae), Labcorp
Classification: Uncertain significance. Last evaluated: 2021-12-19. Review status: criteria provided, single submitter. Criteria: Invitae Variant Classification Sherloc (09022015). Collection method: clinical testing. Allele origin: germline.
Comment: This variant is present in population databases (rs747161037, gnomAD 0.007%). In summary, the available evidence is currently insufficient to determine the role of this variant in disease. Therefore, it has been classified as a Variant of Uncertain Significance. Algorithms developed to predict the effect of missense changes on protein structure and function (SIFT, PolyPhen-2, Align-GVGD) all suggest that this variant is likely to be tolerated. This variant has not been reported in the literature in individuals affected with PLAA-related conditions. This sequence change replaces glutamic acid, which is acidic and polar, with aspartic acid, which is acidic and polar, at codon 309 of the PLAA protein (p.Glu309Asp).

NM_001031689.3(PLAA):c.927A>C (p.Glu309Asp)

Gene: PLAA (phospholipase A2 activating protein; minus strand). Cytogenetic location: 9p21.2.
Variant type: single nucleotide variant.
Coding change: c.927A>C on transcript NM_001031689.3 (MANE Select); coding-DNA position 927, A replaced by C.
Protein change: p.Glu309Asp; replaces glutamic acid 309 with aspartic acid.
Molecular consequence: missense variant.
Genome position (GRCh38, 1-based): chr9:26,923,290, T>G on the plus strand (A>C on the coding strand, the complement: PLAA is on the minus strand). VCF-style: chr9-26923290-T-G. GRCh37 (hg19) VCF-style: chr9-26923288-T-G.
Other names: c.927A>C, p.Glu309Asp (NM_001321546.2); short protein forms E309D.
Identifiers: ClinVar variation 1991279 (VCV001991279.4), dbSNP rs747161037, ClinGen allele CA5014508.